The following is an entry in ClinVar:

NM_004525.3(LRP2):c.13967A>G (p.Ter4656Trp)

Gene: LRP2 (LDL receptor related protein 2; minus strand). Cytogenetic location: 2q31.1.
Variant type: single nucleotide variant.
Coding change: c.13967A>G on transcript NM_004525.3 (MANE Select); coding-DNA position 13967, A replaced by G.
Protein change: p.Ter4656Trp.
Molecular consequence: stop lost.
Genome position (GRCh38, 1-based): chr2:169,128,664, T>C on the plus strand (A>G on the coding strand, the complement: LRP2 is on the minus strand). VCF-style: chr2-169128664-T-C. GRCh37 (hg19) VCF-style: chr2-169985174-T-C.
Identifiers: ClinVar variation 1486903 (VCV001486903.6), dbSNP rs1241511727, ClinGen allele CA349147391.

ClinVar aggregate classification (germline): Uncertain significance (1 of 4 stars; one submission).

Allele frequency attached by ClinVar (database versions not stated): gnomAD 0.00001.
gnomAD v4.1: 2 of 1,613,714 alleles (0.00012%); highest among the groups gnomAD compares: African/African-American, 0.0027%; no homozygotes.

Submission:

Labcorp Genetics (formerly Invitae), Labcorp
Classification: Uncertain significance. Last evaluated: 2023-10-19. Review status: criteria provided, single submitter. Criteria: Invitae Variant Classification Sherloc (09022015). Collection method: clinical testing. Allele origin: germline.
Comment: This sequence change disrupts the translational stop signal of the LRP2 mRNA. It is expected to extend the length of the LRP2 protein by 8 additional amino acid residues. This variant is present in population databases (no rsID available, gnomAD 0.01%). This variant has not been reported in the literature in individuals affected with LRP2-related conditions. ClinVar contains an entry for this variant (Variation ID: 1486903). Algorithms developed to predict the effect of sequence changes on RNA splicing suggest that this variant may create or strengthen a splice site. In summary, the available evidence is currently insufficient to determine the role of this variant in disease. Therefore, it has been classified as a Variant of Uncertain Significance.